The following is an entry in ClinVar:

ClinVar aggregate classification (germline): Uncertain significance (1 of 4 stars; one submission).

Submission:

Labcorp Genetics (formerly Invitae), Labcorp
Classification: Uncertain significance. Last evaluated: 2022-09-12. Review status: criteria provided, single submitter. Criteria: Invitae Variant Classification Sherloc (09022015). Collection method: clinical testing. Allele origin: germline.
Comment: In summary, the available evidence is currently insufficient to determine the role of this variant in disease. Therefore, it has been classified as a Variant of Uncertain Significance. Algorithms developed to predict the effect of missense changes on protein structure and function (SIFT, PolyPhen-2, Align-GVGD) all suggest that this variant is likely to be tolerated. ClinVar contains an entry for this variant (Variation ID: 1415932). This variant has not been reported in the literature in individuals affected with AP3B2-related conditions. This variant is not present in population databases (gnomAD no frequency). This sequence change replaces serine, which is neutral and polar, with threonine, which is neutral and polar, at codon 896 of the AP3B2 protein (p.Ser896Thr).

NM_001278512.2(AP3B2):c.2743T>A (p.Ser915Thr)

Genes: AP3B2 (adaptor related protein complex 3 subunit beta 2; minus strand), CPEB1-AS1 (CPEB1 antisense RNA 1; plus strand). Cytogenetic location: 15q25.2.
Variant type: single nucleotide variant.
Coding change: c.2743T>A on transcript NM_001278512.2 (MANE Select); coding-DNA position 2743, T replaced by A.
Protein change: p.Ser915Thr; replaces serine 915 with threonine.
Molecular consequence: missense variant.
Genome position (GRCh38, 1-based): chr15:82,662,784, A>T on the plus strand (T>A on the coding strand, the complement: AP3B2 is on the minus strand). VCF-style: chr15-82662784-A-T. GRCh37 (hg19) VCF-style: chr15-83331536-A-T.
Other names: c.2590T>A, p.Ser864Thr (NM_001278511.2); c.2686T>A, p.Ser896Thr (NM_004644.5); short protein forms S896T, S864T, S915T.
Identifiers: ClinVar variation 1415932 (VCV001415932.6), dbSNP rs2151427641, ClinGen allele CA393308449.